The following is an entry in ClinVar:

ClinVar aggregate classification (germline): Uncertain significance (1 of 4 stars; one submission).

Submission:

Labcorp Genetics (formerly Invitae), Labcorp
Classification: Uncertain significance. Last evaluated: 2021-05-28. Review status: criteria provided, single submitter. Criteria: Invitae Variant Classification Sherloc (09022015). Collection method: clinical testing. Allele origin: germline.
Comment: In summary, the available evidence is currently insufficient to determine the role of this variant in disease. Therefore, it has been classified as a Variant of Uncertain Significance. Algorithms developed to predict the effect of missense changes on protein structure and function (SIFT, PolyPhen-2, Align-GVGD) all suggest that this variant is likely to be tolerated, but these predictions have not been confirmed by published functional studies and their clinical significance is uncertain. This variant has not been reported in the literature in individuals with IMPG1-related conditions. This variant is not present in population databases (ExAC no frequency). This sequence change replaces aspartic acid with asparagine at codon 165 of the IMPG1 protein (p.Asp165Asn). The aspartic acid residue is weakly conserved and there is a small physicochemical difference between aspartic acid and asparagine.

NM_001563.4(IMPG1):c.493G>A (p.Asp165Asn)

Gene: IMPG1 (interphotoreceptor matrix proteoglycan 1; minus strand). Cytogenetic location: 6q14.1.
Variant type: single nucleotide variant.
Coding change: c.493G>A on transcript NM_001563.4 (MANE Select); coding-DNA position 493, G replaced by A.
Protein change: p.Asp165Asn; replaces aspartic acid 165 with asparagine.
Molecular consequence: missense variant.
Genome position (GRCh38, 1-based): chr6:76,034,319, C>T on the plus strand (G>A on the coding strand, the complement: IMPG1 is on the minus strand). VCF-style: chr6-76034319-C-T. GRCh37 (hg19) VCF-style: chr6-76744036-C-T.
Other names: c.259G>A, p.Asp87Asn (NM_001282368.2); short protein forms D165N, D87N.
Identifiers: ClinVar variation 1397767 (VCV001397767.8), dbSNP rs2149487879, ClinGen allele CA364780225.